The following is an entry in ClinVar:

ClinVar aggregate classification (germline): Pathogenic. Review status: criteria provided, multiple submitters, no conflicts (2 of 4 stars). 10 submissions from 10 submitters: Pathogenic (8). 2 of the submissions do not count toward it. Last evaluated 2025-11-25.

Conditions:
TYR-related disorder. Also called: TYR-related condition.
Oculocutaneous albinism type 1A (OCA1A). Also called: Albinism, oculocutaneous, type IA. Identifiers: Orphanet 352731, Orphanet 79431, MedGen C4551504, MONDO:0008745, OMIM 203100. Disease mechanism: loss of function.
Oculocutaneous albinism type 1B (OCA1B). Also called: ALBINISM, OCULOCUTANEOUS, TYPE IB; ALBINISM, YELLOW MUTANT TYPE; YELLOW ALBINISM. Identifiers: Orphanet 352731, Orphanet 352737, Orphanet 79434, MedGen C1847024, MONDO:0011749, OMIM 606952.
Temperature-sensitive oculocutaneous albinism type 1. Also called: ALBINISM, OCULOCUTANEOUS, TYPE I, TEMPERATURE-SENSITIVE. Identifiers: Orphanet 352737, MedGen C1847132, MONDO:0018137.
SKIN/HAIR/EYE PIGMENTATION 3, LIGHT/DARK SKIN (SHEP3). Also called: SKIN/HAIR/EYE PIGMENTATION, VARIATION IN, 3; EYE COLOR 1; EYE COLOR, GREEN/BLUE; SKIN/HAIR/EYE PIGMENTATION 3, BLUE/GREEN EYE COLOR; SKIN/HAIR/EYE PIGMENTATION 3, FRECKLING. Identifiers: MedGen C2677190, OMIM 601800.

Allele frequency attached by ClinVar (database versions not stated): gnomAD 0.00001 and 0.00002; 1000 Genomes Project 30x 0.00016; TOPMed 0.00002; 1000 Genomes Project 0.00020.

Submissions (10):

GeneDx
Classification: Pathogenic. Last evaluated: 2025-11-25. Review status: criteria provided, single submitter. Criteria: GeneDx Variant Classification Process June 2021. Collection method: clinical testing. Allele origin: germline. Affected: yes.
Comment: Published functional studies demonstrate a damaging effect with decreased tyrosine hydroxylase, dopa oxidase, DHI oxidase, copper-binding and/or catalytic activities (PMID: 1900309, 9242509, 1429711); In silico analysis suggests that this missense variant does not alter protein structure/function; This variant is associated with the following publications: (PMID: 1900309, 32552135, 1900307, 1429711, 11284711, 9242509, 24392141, 27775880, 1943686, 18326704, 29437493, 2567165, 36729443, 37605172, 34838614, 38542347, 31077556, 10987646, 15146472, 38145795)

Labcorp Genetics (formerly Invitae), Labcorp
Classification: Pathogenic. Last evaluated: 2025-09-10. Review status: criteria provided, single submitter. Criteria: Invitae Variant Classification Sherloc (09022015). Collection method: clinical testing. Allele origin: germline.
Comment: This sequence change replaces arginine, which is basic and polar, with glutamine, which is neutral and polar, at codon 422 of the TYR protein (p.Arg422Gln). This variant is present in population databases (rs61754393, gnomAD 0.02%). This missense change has been observed in individual(s) with ocular albinism (PMID: 1900309, 31077556). In at least one individual the data is consistent with being in trans (on the opposite chromosome) from a pathogenic variant. It has also been observed to segregate with disease in related individuals. ClinVar contains an entry for this variant (Variation ID: 3782). Invitae Evidence Modeling of protein sequence and biophysical properties (such as structural, functional, and spatial information, amino acid conservation, physicochemical variation, residue mobility, and thermodynamic stability) has been performed for this missense variant. However, the output from this modeling did not meet the statistical confidence thresholds required to predict the impact of this variant on TYR protein function. Experimental studies have shown that this missense change affects TYR function (PMID: 1900309). For these reasons, this variant has been classified as Pathogenic.

PreventionGenetics, part of Exact Sciences
Classification: Pathogenic for TYR-related condition. Last evaluated: 2025-06-19. Review status: criteria provided, single submitter. Criteria: ACMG Guidelines, 2015. Collection method: clinical testing. Allele origin: germline.
Comment: The TYR c.1265G>A variant is predicted to result in the amino acid substitution p.Arg422Gln. This variant has been reported in the compound heterozygous states in multiple individuals with oculocutaneous albinism (see for examples: Giebel et al. 1991. PubMed ID: 1900309; Zhong et al. 2019. PubMed ID: 31077556; Chuan et al. 2021. PubMed ID: 32552135). An alternate substitution of this amino acid (p.Arg422Trp) has also been reported in individuals with oculocutaneous albinism (King et al 2003. PubMed ID: 13680365). Functional studies have shown that the p.Arg422Gln substitution affects protein function (Toyofuku et al. 2001. PubMed ID: 11284711; Dolinska et al. 2014. PubMed ID: 24392141). This variant is present in 0.022% of alleles in individuals of East Asian descent in gnomAD. Given the evidence, we interpret this variant as pathogenic.

Blueprint Genetics
Classification: Pathogenic for TYR-related disorders. Last evaluated: 2024-11-19. Review status: criteria provided, single submitter. Criteria: ACMG Guidelines, 2015. Collection method: clinical testing. Allele origin: germline. Affected: yes. Observed: 5 variant alleles.

Baylor Genetics
Classification: Pathogenic for SKIN/HAIR/EYE PIGMENTATION 3, LIGHT/DARK SKIN. Last evaluated: 2024-02-21. Review status: criteria provided, single submitter. Criteria: ACMG Guidelines, 2015. Collection method: clinical testing. Allele origin: unknown.

Laboratoire de Génétique Moléculaire, CHU Bordeaux
Classification: Pathogenic for Oculocutaneous albinism type 1A. Last evaluated: 2023-01-27. Review status: criteria provided, single submitter. Criteria: ACMG Guidelines, 2015. Collection method: clinical testing. Allele origin: germline. Affected: yes.

Department of Medical Genetics, College of Basic Medicine, Army Medical University
Classification: Pathogenic for Oculocutaneous albinism type 1B. Review status: criteria provided, single submitter. Criteria: ACMG Guidelines, 2015. Collection method: research. Allele origin: de novo. Affected: yes.

Juno Genomics, Hangzhou Juno Genomics, Inc
Classification: Pathogenic for Oculocutaneous albinism type 1A; Oculocutaneous albinism type 1B. Review status: criteria provided, single submitter. Criteria: ACMG Guidelines, 2015. Collection method: clinical testing. Allele origin: germline.
Comment: Absent from controls (or at extremely low frequency if recessive) in Genome Aggregation Database.;For recessive disorders, detected in trans with a pathogenic variant.;Patient's phenotype or family history is highly specific for a disease with a single genetic etiology.;Multiple lines of computational evidence support a deleterious effect on the gene or gene product.

OMIM
Classification: Pathogenic for ALBINISM, OCULOCUTANEOUS TYPE I, TEMPERATURE-SENSITIVE. Last evaluated: 1991-07-01. Review status: no assertion criteria provided. Collection method: literature only. Allele origin: germline. Not counted in ClinVar's aggregate classification.

Retina International
No classification provided. Review status: no classification provided. Collection method: not provided. Allele origin: not provided. Not counted in ClinVar's aggregate classification.

Literature cited by the submitters: PubMed 1900309 (cited by Labcorp Genetics (formerly Invitae), Labcorp); PubMed 31077556 (cited by Labcorp Genetics (formerly Invitae), Labcorp); PubMed 1900307 (cited by OMIM); PubMed 1943686 (cited by OMIM); PubMed 1832718 (cited by OMIM); PubMed 2567165 (cited by OMIM).

NM_000372.5(TYR):c.1265G>A (p.Arg422Gln)

Gene: TYR (tyrosinase; plus strand). Cytogenetic location: 11q14.3.
Variant type: single nucleotide variant.
Coding change: c.1265G>A on transcript NM_000372.5 (MANE Select); coding-DNA position 1265, G replaced by A.
Protein change: p.Arg422Gln; replaces arginine 422 with glutamine.
Molecular consequence: missense variant.
Genome position (GRCh38, 1-based): chr11:89,284,853, G>A. VCF-style: chr11-89284853-G-A. GRCh37 (hg19) VCF-style: chr11-89018021-G-A.
Other names: short protein forms R422Q.
Identifiers: ClinVar variation 3782 (VCV000003782.23), dbSNP rs61754393, ClinGen allele CA116440.